The following is an entry in ClinVar:

NM_020719.3(PRR12):c.4512_4532dup (p.Pro1514_Pro1515insAlaMetProSerProProPro)

Gene: PRR12 (proline rich 12; plus strand). Cytogenetic location: 19q13.33.
Variant type: Duplication.
Coding change: c.4512_4532dup on transcript NM_020719.3 (MANE Select); coding-DNA positions 4512 to 4532, 21 bases duplicated (ACCTCCACCAGCCATGCCCTC).
Protein change: p.Pro1514_Pro1515insAlaMetProSerProProPro.
Molecular consequence: inframe insertion.
Genome position (GRCh38, 1-based): chr19:49,601,657-49,601,677, ACCTCCACCAGCCATGCCCTC duplicated; duplicating any 21 consecutive bases within chr19:49,601,656-49,601,677 gives the same sequence; the c. name uses the placement nearest the transcript's 3' end. VCF-style (leftmost placement, unchanged base first): chr19-49601655-C-CCACCTCCACCAGCCATGCCCT. GRCh37 (hg19) VCF-style: chr19-50104912-C-CCACCTCCACCAGCCATGCCCT.
Identifiers: ClinVar variation 2429697 (VCV002429697.1), dbSNP rs1156702433, ClinGen allele CA2340489449.

ClinVar aggregate classification (germline): Uncertain significance (1 of 4 stars; one submission).

Submission:

GeneDx
Classification: Uncertain significance. Last evaluated: 2022-08-11. Review status: criteria provided, single submitter. Criteria: GeneDx Variant Classification Process June 2021. Collection method: clinical testing. Allele origin: germline. Affected: yes.
Comment: In-frame duplication of 7 amino acids in a non-repeat region; Not observed at significant frequency in large population cohorts (gnomAD); Has not been previously published as pathogenic or benign to our knowledge